The following is an entry in ClinVar:

NM_000038.6(APC):c.2082C>G (p.Asp694Glu)

Gene: APC (APC regulator of Wnt signaling pathway; plus strand). Cytogenetic location: 5q22.2.
Variant type: single nucleotide variant.
Coding change: c.2082C>G on transcript NM_000038.6 (MANE Select); coding-DNA position 2082, C replaced by G.
Protein change: p.Asp694Glu; replaces aspartic acid 694 with glutamic acid.
Molecular consequence: missense variant. On other transcripts: non-coding transcript variant (2).
Genome position (GRCh38, 1-based): chr5:112,837,676, C>G. VCF-style: chr5-112837676-C-G. GRCh37 (hg19) VCF-style: chr5-112173373-C-G.
Other names: c.2082C>G, p.Asp694Glu (NM_001127510.3, NM_001354895.2, NM_001407450.1); c.2028C>G, p.Asp676Glu (NM_001127511.3); c.2136C>G, p.Asp712Glu (NM_001354896.2, NM_001407447.1, NM_001407448.1 and 1 more transcripts); c.2112C>G, p.Asp704Glu (NM_001354897.2); c.2007C>G, p.Asp669Glu (NM_001354898.2); c.1998C>G, p.Asp666Glu (NM_001354899.2); c.1959C>G, p.Asp653Glu (NM_001354900.2); c.1905C>G, p.Asp635Glu (NM_001354901.2, NM_001407453.1); and 11 more; short protein forms D310E, D411E, D534E, D565E, D568E, D593E, D603E, D611E.
Identifiers: ClinVar variation 2574835 (VCV002574835.2), dbSNP rs2149860111, ClinGen allele CA16025876.

ClinVar aggregate classification (germline): Uncertain significance. Review status: criteria provided, multiple submitters, no conflicts (2 of 4 stars). 2 submissions from 2 submitters: Uncertain significance (2). Last evaluated 2025-04-07.

Conditions:
Hereditary cancer-predisposing syndrome. Also called: Hereditary neoplastic syndrome; Hereditary Cancer Syndrome; Neoplastic Syndromes, Hereditary; Tumor predisposition. Identifiers: Orphanet 140162, MedGen C0027672, MeSH D009386, MONDO:0015356.

Submissions (2):

Ambry Genetics
Classification: Uncertain significance for Hereditary cancer-predisposing syndrome. Last evaluated: 2025-04-07. Review status: criteria provided, single submitter. Criteria: Ambry Variant Classification Scheme 2023. Collection method: clinical testing. Allele origin: germline.
Comment: The p.D694E variant (also known as c.2082C>G), located in coding exon 15 of the APC gene, results from a C to G substitution at nucleotide position 2082. The aspartic acid at codon 694 is replaced by glutamic acid, an amino acid with highly similar properties. This amino acid position is conserved. In addition, in silico predictors for this gene do not accurately predict pathogenicity. Based on the available evidence, the clinical significance of this variant remains unclear.

GeneDx
Classification: Uncertain significance. Last evaluated: 2023-02-02. Review status: criteria provided, single submitter. Criteria: GeneDx Variant Classification Process June 2021. Collection method: clinical testing. Allele origin: germline. Affected: yes.
Comment: Not observed at significant frequency in large population cohorts (gnomAD); In silico analysis supports that this missense variant has a deleterious effect on protein structure/function; Has not been previously published as pathogenic or benign to our knowledge; This variant is associated with the following publications: (PMID: 18199528)